The following is an entry in ClinVar:

NM_015046.7(SETX):c.5224G>A (p.Asp1742Asn)

Gene: SETX (senataxin; minus strand). Cytogenetic location: 9q34.13.
Variant type: single nucleotide variant.
Coding change: c.5224G>A on transcript NM_015046.7 (MANE Select); coding-DNA position 5224, G replaced by A.
Protein change: p.Asp1742Asn; replaces aspartic acid 1742 with asparagine.
Molecular consequence: missense variant.
Genome position (GRCh38, 1-based): chr9:132,326,374, C>T on the plus strand (G>A on the coding strand, the complement: SETX is on the minus strand). VCF-style: chr9-132326374-C-T. GRCh37 (hg19) VCF-style: chr9-135201761-C-T.
Other names: c.5224G>A, p.Asp1742Asn (NM_001351527.2, NM_001351528.2); short protein forms D1742N.
Identifiers: ClinVar variation 3902495 (VCV003902495.1).

ClinVar aggregate classification (germline): Uncertain significance (1 of 4 stars; one submission).

gnomAD v4.1: 5 of 1,613,784 alleles (0.00031%); highest among the groups gnomAD compares: African/African-American, 0.0053%; no homozygotes.

Submission:

Women's Health and Genetics/Laboratory Corporation of America, LabCorp
Classification: Uncertain significance. Last evaluated: 2025-05-05. Review status: criteria provided, single submitter. Criteria: LabCorp Variant Classification Summary - May 2015. Collection method: clinical testing. Allele origin: germline.
Comment: Variant summary: SETX c.5224G>A (p.Asp1742Asn) results in a conservative amino acid change in the encoded protein sequence. Algorithms developed to predict the effect of missense changes on protein structure and function are either unavailable or do not agree on the potential impact of this missense change. The variant was absent in 250630 control chromosomes. The available data on variant occurrences in the general population are insufficient to allow any conclusion about variant significance. c.5224G>A has been observed in at least one individual affected with cerebellar ataxia, autosomal recessive, with axonal neuropathy 2 (e.g. Coutelier_2018). These report(s) do not provide unequivocal conclusions about association of the variant with Spinocerebellar ataxia, autosomal recessive, with axonal neuropathy 2. To our knowledge, no experimental evidence demonstrating an impact on protein function has been reported. The following publication has been ascertained in the context of this evaluation (PMID: 29482223). No submitters have cited clinical-significance assessments for this variant to ClinVar. Based on the evidence outlined above, the variant was classified as uncertain significance.

Literature cited by the submitters: PubMed 29482223.